The following is an entry in ClinVar:

NM_000059.4(BRCA2):c.5934T>C (p.Phe1978=)

Gene: BRCA2 (BRCA2 DNA repair associated; plus strand). Cytogenetic location: 13q13.1.
Variant type: single nucleotide variant.
Coding change: c.5934T>C on transcript NM_000059.4 (MANE Select); coding-DNA position 5934, T replaced by C.
Protein change: p.Phe1978=; no amino-acid change (phenylalanine 1978 retained).
Molecular consequence: synonymous variant.
Genome position (GRCh38, 1-based): chr13:32,340,289, T>C. VCF-style: chr13-32340289-T-C. GRCh37 (hg19) VCF-style: chr13-32914426-T-C.
Identifiers: ClinVar variation 184827 (VCV000184827.18), dbSNP rs758505680, ClinGen allele CA023384.

ClinVar aggregate classification (germline): Likely benign. Review status: reviewed by expert panel (3 of 4 stars). 4 submissions from 4 submitters: Likely benign (1). 3 of the submissions do not count toward it. Last evaluated 2017-06-29.

Conditions:
Hereditary cancer-predisposing syndrome. Also called: Tumor predisposition; Hereditary Cancer Syndrome; Hereditary neoplastic syndrome; Neoplastic Syndromes, Hereditary. Identifiers: Orphanet 140162, MedGen C0027672, MeSH D009386, MONDO:0015356.
Hereditary breast ovarian cancer syndrome. Also called: Breast and ovarian cancer; Hereditary breast and ovarian cancer syndrome; Hereditary breast and ovarian cancer; BRCA1- and BRCA2-Associated Hereditary Breast and Ovarian Cancer; Hereditary breast and ovarian cancer syndrome (HBOC); Hereditary breast and/or ovarian cancer syndrome. Identifiers: Orphanet 145, MedGen C0677776, MeSH D061325, MONDO:0003582. Disease mechanism: loss of function.
Breast-ovarian cancer, familial, susceptibility to, 2 (BROVCA2). Also called: BRCA2 Hereditary Breast and Ovarian Cancer. Identifiers: Orphanet 145, MedGen C2675520, MONDO:0012933, OMIM 612555. Disease mechanism: loss of function.

Allele frequency attached by ClinVar (database versions not stated): gnomAD exomes below 0.00001; TOPMed below 0.00001; ExAC 0.00001.
gnomAD v4.1: 5 of 1,614,004 alleles (0.00031%); highest among the groups gnomAD compares: Non-Finnish European, 0.00025%; no homozygotes.

Submissions (4):

Evidence-based Network for the Interpretation of Germline Mutant Alleles (ENIGMA)
Classification: Likely benign for Breast-ovarian cancer, familial, susceptibility to, 2. Last evaluated: 2017-06-29. Review status: reviewed by expert panel. Criteria: ENIGMA BRCA1/2 Classification Criteria (2017-06-29). Collection method: curation. Allele origin: germline.
Comment: Synonymous substitution variant, with low bioinformatic likelihood to result in a splicing aberration (Splicing prior probability 0.02).

Color Diagnostics, LLC DBA Color Health
Classification: Likely benign for Hereditary cancer-predisposing syndrome. Last evaluated: 2025-09-14. Review status: criteria provided, single submitter. Criteria: ACMG Guidelines, 2015. Collection method: clinical testing. Allele origin: germline. Not counted in ClinVar's aggregate classification.

Labcorp Genetics (formerly Invitae), Labcorp
Classification: Likely benign for Hereditary breast ovarian cancer syndrome. Last evaluated: 2022-05-21. Review status: criteria provided, single submitter. Criteria: Invitae Variant Classification Sherloc (09022015). Collection method: clinical testing. Allele origin: germline. Not counted in ClinVar's aggregate classification.

Ambry Genetics
Classification: Likely benign for Hereditary cancer-predisposing syndrome. Last evaluated: 2014-06-12. Review status: criteria provided, single submitter. Criteria: Ambry Variant Classification Scheme 2023. Collection method: clinical testing. Allele origin: germline. Not counted in ClinVar's aggregate classification.